The following is an entry in ClinVar:

GRCh37/hg19 1q21.1-21.2(chr1:145770625-148514899)x1

Genes: ACP6 (acid phosphatase 6, lysophosphatidic; minus strand), BCL9 (BCL9 transcription coactivator; plus strand), CHD1L (chromodomain helicase DNA binding protein 1 like; plus strand), FMO5 (flavin containing dimethylaniline monoxygenase 5; minus strand), GJA5 (gap junction protein alpha 5; minus strand) and 8 more. Cytogenetic location: 1q21.1-21.2.
Variant type: copy number loss.
Change: copy number 1 (one copy instead of two) of chr1:145,770,625-148,514,899 (2.74 Mb, GRCh37 coordinates, 1-based), cytogenetic band 1q21.1-21.2.
Identifiers: ClinVar variation 565161 (VCV000565161.5).

ClinVar aggregate classification (germline): Pathogenic (1 of 4 stars; one submission).

Submission:

Quest Diagnostics Nichols Institute San Juan Capistrano
Classification: Pathogenic. Last evaluated: 2023-03-10. Review status: criteria provided, single submitter. Criteria: ACMG/ClinGen CNV Guidelines, 2019. Collection method: clinical testing. Allele origin: unknown.
Comment: This copy number loss involves multiple genes, and is associated with the 1q21.1 deletion syndrome (OMIM 612474). Inheritance from a normal or mildly affected parent has been reported, suggesting incomplete penetrance and variable expressivity. See GeneReviews for additional information and references.